The following is an entry in ClinVar:

ClinVar aggregate classification (germline): Likely benign. Review status: criteria provided, multiple submitters, no conflicts (2 of 4 stars). 3 submissions from 3 submitters: Likely benign (2). 1 of the submissions does not count toward it. Last evaluated 2025-12-18.

Conditions:
Cognitive impairment - coarse facies - heart defects - obesity - pulmonary involvement - short stature - skeletal dysplasia syndrome. Also called: Chops syndrome; AFF4-Related CHOPS Syndrome; COGNITIVE IMPAIRMENT, COARSE FACIES, HEART DEFECTS, OBESITY, PULMONARY INVOLVEMENT, SHORT STATURE, AND SKELETAL DYSPLASIA. Identifiers: Orphanet 444077, MedGen C4085597, MONDO:0014609, OMIM 616368.
AFF4-related disorder. Also called: AFF4-related condition.

Allele frequency attached by ClinVar (database versions not stated): gnomAD exomes 0.00005 and 0.00012; ExAC 0.00015; 1000 Genomes Project 30x 0.00031; 1000 Genomes Project 0.00040; gnomAD 0.00053 and 0.00059; TOPMed 0.00066; ESP Exome Variant Server 0.00077.
gnomAD v4.1: 155 of 1,614,208 alleles (0.0096%); highest among the groups gnomAD compares: African/African-American, 0.19%; no homozygotes.

Submissions (3):

Labcorp Genetics (formerly Invitae), Labcorp
Classification: Likely benign for Cognitive impairment - coarse facies - heart defects - obesity - pulmonary involvement - short stature - skeletal dysplasia syndrome. Last evaluated: 2025-12-18. Review status: criteria provided, single submitter. Criteria: Invitae Variant Classification Sherloc (09022015). Collection method: clinical testing. Allele origin: germline.

Blueprint Genetics
Classification: Likely benign. Last evaluated: 2021-07-15. Review status: criteria provided, single submitter. Criteria: ACMG Guidelines, 2015. Collection method: clinical testing. Allele origin: germline.

PreventionGenetics, part of Exact Sciences
Classification: Likely benign for AFF4-related condition. Last evaluated: 2022-02-10. Review status: no assertion criteria provided. Collection method: clinical testing. Allele origin: germline. Not counted in ClinVar's aggregate classification.
Comment: This variant is classified as likely benign based on ACMG/AMP sequence variant interpretation guidelines (Richards et al. 2015 PMID: 25741868, with internal and published modifications).

NM_014423.4(AFF4):c.1927A>G (p.Ile643Val)

Gene: AFF4 (ALF transcription elongation factor 4; minus strand). Cytogenetic location: 5q31.1.
Variant type: single nucleotide variant.
Coding change: c.1927A>G on transcript NM_014423.4 (MANE Select); coding-DNA position 1927, A replaced by G.
Protein change: p.Ile643Val; replaces isoleucine 643 with valine.
Molecular consequence: missense variant.
Genome position (GRCh38, 1-based): chr5:132,896,703, T>C on the plus strand (A>G on the coding strand, the complement: AFF4 is on the minus strand). VCF-style: chr5-132896703-T-C. GRCh37 (hg19) VCF-style: chr5-132232395-T-C.
Other names: c.1927A>G (NM_014423.3); short protein forms I643V.
Identifiers: ClinVar variation 1631025 (VCV001631025.11), dbSNP rs143974944, ClinGen allele CA3409025.